The following is an entry in ClinVar:

ClinVar aggregate classification (germline): Uncertain significance (1 of 4 stars; one submission).

Submission:

Labcorp Genetics (formerly Invitae), Labcorp
Classification: Uncertain significance. Last evaluated: 2024-02-12. Review status: criteria provided, single submitter. Criteria: Invitae Variant Classification Sherloc (09022015). Collection method: clinical testing. Allele origin: germline.
Comment: This sequence change replaces alanine, which is neutral and non-polar, with glutamic acid, which is acidic and polar, at codon 1734 of the HIVEP2 protein (p.Ala1734Glu). This variant is not present in population databases (gnomAD no frequency). This variant has not been reported in the literature in individuals affected with HIVEP2-related conditions. This missense change has been observed in at least one individual who was not affected with HIVEP2-related conditions (Invitae). An algorithm developed to predict the effect of missense changes on protein structure and function (PolyPhen-2) suggests that this variant is likely to be tolerated. In summary, the available evidence is currently insufficient to determine the role of this variant in disease. Therefore, it has been classified as a Variant of Uncertain Significance.

NM_006734.4(HIVEP2):c.5201C>A (p.Ala1734Glu)

Gene: HIVEP2 (HIVEP zinc finger 2; minus strand). Cytogenetic location: 6q24.2.
Variant type: single nucleotide variant.
Coding change: c.5201C>A on transcript NM_006734.4 (MANE Select); coding-DNA position 5201, C replaced by A.
Protein change: p.Ala1734Glu; replaces alanine 1734 with glutamic acid.
Molecular consequence: missense variant.
Genome position (GRCh38, 1-based): chr6:142,768,523, G>T on the plus strand (C>A on the coding strand, the complement: HIVEP2 is on the minus strand). VCF-style: chr6-142768523-G-T. GRCh37 (hg19) VCF-style: chr6-143089660-G-T.
Other names: short protein forms A1734E.
Identifiers: ClinVar variation 2699304 (VCV002699304.3), dbSNP rs200645897, ClinGen allele CA365894065.